The following is an entry in ClinVar:

ClinVar aggregate classification (germline): Uncertain significance (1 of 4 stars; one submission).

Conditions:
Hereditary factor VIII deficiency disease (HEMA). Also called: HEMOPHILIA, CLASSIC; AUTOSOMAL HEMOPHILIA A; Hemophilia A; Hemophilia A, congenital; HEM A; Factor 8 deficiency, congenital. Identifiers: Orphanet 98878, MedGen C0019069, MONDO:0010602, OMIM 306700.

Submission:

Genetics and Molecular Pathology, SA Pathology
Classification: Uncertain significance for Hereditary factor VIII deficiency disease. Last evaluated: 2020-12-14. Review status: criteria provided, single submitter. Criteria: ACMG Guidelines, 2015. Collection method: clinical testing. Allele origin: germline. Inheritance: X-linked recessive inheritance. Affected: yes.
Comment: PM2, PP3.

NM_000132.4(F8):c.5582A>G (p.Asp1861Gly)

Gene: F8 (coagulation factor VIII; minus strand). Cytogenetic location: Xq28.
Variant type: single nucleotide variant.
Coding change: c.5582A>G on transcript NM_000132.4 (MANE Select); coding-DNA position 5582, A replaced by G.
Protein change: p.Asp1861Gly; replaces aspartic acid 1861 with glycine.
Molecular consequence: missense variant.
Genome position (GRCh38, 1-based): chrX:154,904,815, T>C on the plus strand (A>G on the coding strand, the complement: F8 is on the minus strand). VCF-style: chrX-154904815-T-C. GRCh37 (hg19) VCF-style: chrX-154133090-T-C.
Other names: short protein forms D1861G.
Identifiers: ClinVar variation 1698749 (VCV001698749.2), dbSNP rs2123997685, ClinGen allele CA414908373.